The following is an entry in ClinVar:

NM_080680.3(COL11A2):c.2179G>C (p.Gly727Arg)

Gene: COL11A2 (collagen type XI alpha 2 chain; minus strand). Cytogenetic location: 6p21.32.
Variant type: single nucleotide variant.
Coding change: c.2179G>C on transcript NM_080680.3 (MANE Select); coding-DNA position 2179, G replaced by C.
Protein change: p.Gly727Arg; replaces glycine 727 with arginine.
Molecular consequence: missense variant.
Genome position (GRCh38, 1-based): chr6:33,176,294, C>G on the plus strand (G>C on the coding strand, the complement: COL11A2 is on the minus strand). VCF-style: chr6-33176294-C-G. GRCh37 (hg19) VCF-style: chr6-33144071-C-G.
Other names: c.1858G>C, p.Gly620Arg (NM_080679.3); c.1921G>C, p.Gly641Arg (NM_080681.3); short protein forms G620R, G641R, G727R.
Identifiers: ClinVar variation 1376716 (VCV001376716.8), dbSNP rs768569721, ClinGen allele CA363649349.

ClinVar aggregate classification (germline): Uncertain significance (1 of 4 stars; one submission).

Submission:

Labcorp Genetics (formerly Invitae), Labcorp
Classification: Uncertain significance. Last evaluated: 2022-01-13. Review status: criteria provided, single submitter. Criteria: Invitae Variant Classification Sherloc (09022015). Collection method: clinical testing. Allele origin: germline.
Comment: In summary, the available evidence is currently insufficient to determine the role of this variant in disease. Therefore, it has been classified as a Variant of Uncertain Significance. Advanced modeling of protein sequence and biophysical properties (such as structural, functional, and spatial information, amino acid conservation, physicochemical variation, residue mobility, and thermodynamic stability) performed at Invitae indicates that this missense variant is expected to disrupt COL11A2 protein function. This variant has not been reported in the literature in individuals affected with COL11A2-related conditions. This variant is not present in population databases (gnomAD no frequency). This sequence change replaces glycine, which is neutral and non-polar, with arginine, which is basic and polar, at codon 727 of the COL11A2 protein (p.Gly727Arg).